The following is an entry in ClinVar:

ClinVar aggregate classification (germline): Likely benign. Review status: criteria provided, multiple submitters, no conflicts (2 of 4 stars). 3 submissions from 3 submitters: Likely benign (2). 1 of the submissions does not count toward it. Last evaluated 2024-10-01.

Conditions:
CHD2-related disorder. Also called: CHD2-related condition.
Developmental and epileptic encephalopathy 94 (DEE94). Also called: Epileptic encephalopathy, childhood-onset; CHD2-Related Neurodevelopmental Disorders. Identifiers: Orphanet 1942, Orphanet 2382, MedGen C3809278, MONDO:0014150, OMIM 615369.

Allele frequency attached by ClinVar (database versions not stated): gnomAD exomes 0.00001 and 0.00002; ExAC 0.00002; TOPMed 0.00002; gnomAD 0.00003; ESP Exome Variant Server 0.00008.
gnomAD v4.1: 32 of 1,613,964 alleles (0.002%); highest among the groups gnomAD compares: Non-Finnish European, 0.0025%; no homozygotes.

Submissions (3):

CeGaT Center for Human Genetics Tuebingen
Classification: Likely benign. Last evaluated: 2024-10-01. Review status: criteria provided, single submitter. Criteria: CeGaT Center For Human Genetics Tuebingen Variant Classification Criteria Version 2. Collection method: clinical testing. Allele origin: germline. Affected: yes. Observed: 1 variant allele.
Comment: CHD2: BP4, BP7

Labcorp Genetics (formerly Invitae), Labcorp
Classification: Likely benign for Developmental and epileptic encephalopathy 94. Last evaluated: 2024-09-03. Review status: criteria provided, single submitter. Criteria: Invitae Variant Classification Sherloc (09022015). Collection method: clinical testing. Allele origin: germline.

PreventionGenetics, part of Exact Sciences
Classification: Likely benign for CHD2-related condition. Last evaluated: 2019-08-01. Review status: no assertion criteria provided. Collection method: clinical testing. Allele origin: germline. Not counted in ClinVar's aggregate classification.
Comment: This variant is classified as likely benign based on ACMG/AMP sequence variant interpretation guidelines (Richards et al. 2015 PMID: 25741868, with internal and published modifications).

NM_001271.4(CHD2):c.1680C>T (p.Asn560=)

Gene: CHD2 (chromodomain helicase DNA binding protein 2; plus strand). Cytogenetic location: 15q26.1.
Variant type: single nucleotide variant.
Coding change: c.1680C>T on transcript NM_001271.4 (MANE Select); coding-DNA position 1680, C replaced by T.
Protein change: p.Asn560=; no amino-acid change (asparagine 560 retained).
Molecular consequence: synonymous variant.
Genome position (GRCh38, 1-based): chr15:92,953,534, C>T. VCF-style: chr15-92953534-C-T. GRCh37 (hg19) VCF-style: chr15-93496764-C-T.
Identifiers: ClinVar variation 541374 (VCV000541374.27), dbSNP rs368985360, ClinGen allele CA7747844.